The following is an entry in ClinVar:

ClinVar aggregate classification (germline): Uncertain significance (1 of 4 stars; one submission).

Conditions:
PHIP-related disorder. Also called: PHIP-related condition; PHIP-related disorders.

gnomAD v4.1: 1 of 1,613,422 alleles (0.000062%); highest among the groups gnomAD compares: Non-Finnish European, 0.000085%; no homozygotes.

Submission:

PreventionGenetics, part of Exact Sciences
Classification: Uncertain significance for PHIP-related condition. Last evaluated: 2026-05-12. Review status: criteria provided, single submitter. Criteria: ACMG Guidelines, 2015. Collection method: clinical testing. Allele origin: germline.
Comment: The PHIP c.4795A>T variant is predicted to result in the amino acid substitution p.Thr1599Ser. To our knowledge, this variant has not been reported in the literature or in a large population database (gnomAD), indicating this variant is rare. At this time, the clinical significance of this variant is uncertain due to the absence of conclusive functional and genetic evidence.

NM_017934.7(PHIP):c.4795A>T (p.Thr1599Ser)

Genes: IRAK1BP1 (interleukin 1 receptor associated kinase 1 binding protein 1; plus strand), PHIP (PHIP subunit of CUL4-Ring ligase complex; minus strand). Cytogenetic location: 6q14.1.
Variant type: single nucleotide variant.
Coding change: c.4795A>T on transcript NM_017934.7 (MANE Select); coding-DNA position 4795, A replaced by T.
Protein change: p.Thr1599Ser; replaces threonine 1599 with serine.
Molecular consequence: missense variant.
Genome position (GRCh38, 1-based): chr6:78,945,333, T>A on the plus strand (A>T on the coding strand, the complement: PHIP is on the minus strand). VCF-style: chr6-78945333-T-A. GRCh37 (hg19) VCF-style: chr6-79655050-T-A.
Other names: short protein forms T1599S.
Identifiers: ClinVar variation 4990673 (VCV004990673.1).